The following is an entry in ClinVar:

ClinVar aggregate classification (germline): Likely benign. Review status: criteria provided, multiple submitters, no conflicts (2 of 4 stars). 2 submissions from 2 submitters: Likely benign (2). Last evaluated 2025-02-10.

Conditions:
Deficiency of UDPglucose-hexose-1-phosphate uridylyltransferase. Also called: GALT deficiency; Galactosemia, classic; Transferase Deficiency Galactosemia; GALACTOSEMIA I; GALACTOSE-1-PHOSPHATE URIDYLYLTRANSFERASE DEFICIENCY. Identifiers: Orphanet 352, Orphanet 79239, MedGen C0268151, MONDO:0009258, OMIM 230400.

Allele frequency attached by ClinVar (database versions not stated): gnomAD exomes below 0.00001; gnomAD 0.00001; TOPMed 0.00002.
gnomAD v4.1: 7 of 1,614,138 alleles (0.00043%); highest among the groups gnomAD compares: Admixed American, 0.0017%; no homozygotes.

Submissions (2):

Mayo Clinic Laboratories, Mayo Clinic
Classification: Likely benign. Last evaluated: 2025-02-10. Review status: criteria provided, single submitter. Criteria: ACMG Guidelines, 2015. Collection method: clinical testing. Allele origin: germline. Observed: 1 variant allele.
Comment: BP4, BP7

Labcorp Genetics (formerly Invitae), Labcorp
Classification: Likely benign for Deficiency of UDPglucose-hexose-1-phosphate uridylyltransferase. Last evaluated: 2024-01-16. Review status: criteria provided, single submitter. Criteria: Invitae Variant Classification Sherloc (09022015). Collection method: clinical testing. Allele origin: germline.

NM_000155.4(GALT):c.378-14C>A

Gene: GALT (galactose-1-phosphate uridylyltransferase; plus strand). Cytogenetic location: 9p13.3.
Variant type: single nucleotide variant.
Coding change: c.378-14C>A on transcript NM_000155.4 (MANE Select); 14 bases into the intron before coding-DNA position 378, C replaced by A.
Molecular consequence: intron variant.
Genome position (GRCh38, 1-based): chr9:34,647,818, C>A. VCF-style: chr9-34647818-C-A. GRCh37 (hg19) VCF-style: chr9-34647815-C-A.
Other names: p.?; c.51-14C>A (NM_001258332.2).
Identifiers: ClinVar variation 2792105 (VCV002792105.4), dbSNP rs1462099915, ClinGen allele CA587568208.